The following is an entry in ClinVar:

NM_001292063.2(OTOG):c.2387T>C (p.Val796Ala)

Gene: OTOG (otogelin; plus strand). Cytogenetic location: 11p15.1.
Variant type: single nucleotide variant.
Coding change: c.2387T>C on transcript NM_001292063.2 (MANE Select); coding-DNA position 2387, T replaced by C.
Protein change: p.Val796Ala; replaces valine 796 with alanine.
Molecular consequence: missense variant.
Genome position (GRCh38, 1-based): chr11:17,574,813, T>C. VCF-style: chr11-17574813-T-C. GRCh37 (hg19) VCF-style: chr11-17596360-T-C.
Other names: c.2423T>C, p.Val808Ala (NM_001277269.2); short protein forms V808A, V796A.
Identifiers: ClinVar variation 504963 (VCV000504963.5), dbSNP rs1554970485, ClinGen allele CA379772293.

ClinVar aggregate classification (germline): Likely benign (1 of 4 stars; one submission).

Submission:

Laboratory for Molecular Medicine, Mass General Brigham Personalized Medicine
Classification: Likely benign. Last evaluated: 2016-05-05. Review status: criteria provided, single submitter. Criteria: LMM Criteria. Collection method: clinical testing. Allele origin: germline. Observed: 2 variant alleles.
Comment: p.Val808Ala in exon 19 of OTOG: This variant is not expected to have clinical si gnificance due to a lack of conservation across species, including mammals. Of n ote, twelve mammals have an alanine (Ala) at this position despite high nearby a mino acid conservation. In addition, computational tools do not suggest a high l ikelihood of impact to the protein. Data from large population studies are insuf ficient to assess the frequency of this variant.